The following is an entry in ClinVar:

NM_199420.4(POLQ):c.2524G>T (p.Ala842Ser)

Gene: POLQ (DNA polymerase theta; minus strand). Cytogenetic location: 3q13.33.
Variant type: single nucleotide variant.
Coding change: c.2524G>T on transcript NM_199420.4 (MANE Select); coding-DNA position 2524, G replaced by T.
Protein change: p.Ala842Ser; replaces alanine 842 with serine.
Molecular consequence: missense variant.
Genome position (GRCh38, 1-based): chr3:121,490,407, C>A on the plus strand (G>T on the coding strand, the complement: POLQ is on the minus strand). VCF-style: chr3-121490407-C-A. GRCh37 (hg19) VCF-style: chr3-121209254-C-A.
Other names: short protein forms A842S.
Identifiers: ClinVar variation 3422648 (VCV003422648.1).
Genomic context (GRCh38, chr3:121,490,407, plus strand): 5'-TAGTTCGCATATTGCGACGTTCTTCAACTGCTTCCTCTTCCTCATCCACTGCCTTCCGGG[C>A]ACTACACAAGGAGATGGGAAAAGACAGAAATGAATTCATTCATTCGTAAGGCAAGTATTT-3'
Protein context (NP_955452.3, residues 832-852): ILKNAVPFKS[Ala842Ser]RKAVDEEEEA

ClinVar aggregate classification (germline): Uncertain significance (1 of 4 stars; one submission).

Submission:

Ambry Genetics
Classification: Uncertain significance. Last evaluated: 2024-11-05. Review status: criteria provided, single submitter. Criteria: Ambry Variant Classification Scheme 2023. Collection method: clinical testing. Allele origin: germline.
Comment: The p.A842S variant (also known as c.2524G>T), located in coding exon 16 of the POLQ gene, results from a G to T substitution at nucleotide position 2524. The alanine at codon 842 is replaced by serine, an amino acid with similar properties. This amino acid position is conserved. In addition, this alteration is predicted to be tolerated by in silico analysis. Based on the available evidence, the clinical significance of this variant remains unclear.